The following is an entry in ClinVar:

NM_015192.4(PLCB1):c.1463A>T (p.Asn488Ile)

Gene: PLCB1 (phospholipase C beta 1; plus strand). Cytogenetic location: 20p12.3.
Variant type: single nucleotide variant.
Coding change: c.1463A>T on transcript NM_015192.4 (MANE Select); coding-DNA position 1463, A replaced by T.
Protein change: p.Asn488Ile; replaces asparagine 488 with isoleucine.
Molecular consequence: missense variant.
Genome position (GRCh38, 1-based): chr20:8,717,798, A>T. VCF-style: chr20-8717798-A-T. GRCh37 (hg19) VCF-style: chr20-8698445-A-T.
Other names: c.1463A>T, p.Asn488Ile (NM_182734.3); short protein forms N488I.
Identifiers: ClinVar variation 2123658 (VCV002123658.4), dbSNP rs770501311, ClinGen allele CA408201492.

ClinVar aggregate classification (germline): Uncertain significance (1 of 4 stars; one submission).

Conditions:
Developmental and epileptic encephalopathy, 12 (DEE12). Identifiers: MedGen C3150988, MONDO:0013389, OMIM 613722.

Submission:

Labcorp Genetics (formerly Invitae), Labcorp
Classification: Uncertain significance for Developmental and epileptic encephalopathy, 12. Last evaluated: 2025-05-19. Review status: criteria provided, single submitter. Criteria: Invitae Variant Classification Sherloc (09022015). Collection method: clinical testing. Allele origin: germline.
Comment: This sequence change replaces asparagine, which is neutral and polar, with isoleucine, which is neutral and non-polar, at codon 488 of the PLCB1 protein (p.Asn488Ile). This variant is not present in population databases (gnomAD no frequency). This variant has not been reported in the literature in individuals affected with PLCB1-related conditions. ClinVar contains an entry for this variant (Variation ID: 2123658). Invitae Evidence Modeling of protein sequence and biophysical properties (such as structural, functional, and spatial information, amino acid conservation, physicochemical variation, residue mobility, and thermodynamic stability) indicates that this missense variant is not expected to disrupt PLCB1 protein function with a negative predictive value of 80%. In summary, the available evidence is currently insufficient to determine the role of this variant in disease. Therefore, it has been classified as a Variant of Uncertain Significance.